The following is an entry in ClinVar:

ClinVar aggregate classification (germline): Uncertain significance. Review status: criteria provided, multiple submitters, no conflicts (2 of 4 stars). 2 submissions from 2 submitters: Uncertain significance (2). Last evaluated 2024-12-12.

Conditions:
Inborn genetic diseases. Identifiers: MedGen C0950123, MeSH D030342.
Baller-Gerold syndrome (BGS). Also called: CRANIOSYNOSTOSIS WITH RADIAL DEFECTS. Identifiers: Orphanet 1225, MedGen C0265308, MONDO:0009039, OMIM 218600.

gnomAD v4.1: 34 of 1,613,396 alleles (0.0021%); highest among the groups gnomAD compares: Non-Finnish European, 0.0029%; no homozygotes.

Submissions (2):

Ambry Genetics
Classification: Uncertain significance for Inborn genetic diseases. Last evaluated: 2024-12-12. Review status: criteria provided, single submitter. Criteria: Ambry Variant Classification Scheme 2023. Collection method: clinical testing. Allele origin: germline.
Comment: The p.P310S variant (also known as c.928C>T), located in coding exon 5 of the RECQL4 gene, results from a C to T substitution at nucleotide position 928. The proline at codon 310 is replaced by serine, an amino acid with similar properties. This amino acid position is conserved. In addition, this alteration is predicted to be tolerated by in silico analysis. Based on the available evidence, the clinical significance of this variant remains unclear.

Labcorp Genetics (formerly Invitae), Labcorp
Classification: Uncertain significance for Baller-Gerold syndrome. Last evaluated: 2024-04-22. Review status: criteria provided, single submitter. Criteria: Invitae Variant Classification Sherloc (09022015). Collection method: clinical testing. Allele origin: germline.
Comment: This sequence change replaces proline, which is neutral and non-polar, with serine, which is neutral and polar, at codon 310 of the RECQL4 protein (p.Pro310Ser). This variant is not present in population databases (gnomAD no frequency). This variant has not been reported in the literature in individuals affected with RECQL4-related conditions. ClinVar contains an entry for this variant (Variation ID: 406994). Advanced modeling of protein sequence and biophysical properties (such as structural, functional, and spatial information, amino acid conservation, physicochemical variation, residue mobility, and thermodynamic stability) performed at Invitae indicates that this missense variant is not expected to disrupt RECQL4 protein function with a negative predictive value of 80%. In summary, the available evidence is currently insufficient to determine the role of this variant in disease. Therefore, it has been classified as a Variant of Uncertain Significance.

NM_004260.4(RECQL4):c.928C>T (p.Pro310Ser)

Gene: RECQL4 (RecQ like helicase 4; minus strand). Cytogenetic location: 8q24.3.
Variant type: single nucleotide variant.
Coding change: c.928C>T on transcript NM_004260.4 (MANE Select); coding-DNA position 928, C replaced by T.
Protein change: p.Pro310Ser; replaces proline 310 with serine.
Molecular consequence: missense variant.
Genome position (GRCh38, 1-based): chr8:144,516,191, G>A on the plus strand (C>T on the coding strand, the complement: RECQL4 is on the minus strand). VCF-style: chr8-144516191-G-A. GRCh37 (hg19) VCF-style: chr8-145741575-G-A.
Other names: short protein forms P310S.
Identifiers: ClinVar variation 406994 (VCV000406994.9), dbSNP rs1060501376, ClinGen allele CA16612275.
Genomic context (GRCh38, chr8:144,516,191, plus strand): 5'-CCCTAGCTTGACTGGAGGGGCTGAGTCCGTGGTACCTGGGGTTCGATGGGCTGCTGCAGG[G>A]CTGAGGTGGCTGTGCCTGTACAGGTTCCCCTGGAGGGTCTTCCTCAACTGCTACAGCCCC-3'
Protein context (NP_004251.4, residues 300-320): GEPVQAQPPQ[Pro310Ser]CSSPSNPRYH